The following is an entry in ClinVar:

ClinVar aggregate classification (germline): Benign (1 of 4 stars; one submission).

Allele frequency attached by ClinVar (database versions not stated): gnomAD exomes 0.00336; gnomAD 0.03327 and 0.03519; TOPMed 0.03790; 1000 Genomes Project 0.04014; 1000 Genomes Project 30x 0.04357.
gnomAD v4.1: 9,882 of 1,508,858 alleles (0.65%); highest among the groups gnomAD compares: African/African-American, 11%; 497 homozygotes.

Submission:

GeneDx
Classification: Benign. Last evaluated: 2018-06-16. Review status: criteria provided, single submitter. Criteria: GeneDx Variant Classification (06012015). Collection method: clinical testing. Allele origin: germline. Affected: yes.
Comment: This variant is considered likely benign or benign based on one or more of the following criteria: it is a conservative change, it occurs at a poorly conserved position in the protein, it is predicted to be benign by multiple in silico algorithms, and/or has population frequency not consistent with disease.

NM_003850.3(SUCLA2):c.802+87T>C

Gene: SUCLA2 (succinate-CoA ligase ADP-forming subunit beta; minus strand). Cytogenetic location: 13q14.2.
Variant type: single nucleotide variant.
Coding change: c.802+87T>C on transcript NM_003850.3 (MANE Select); 87 bases into the intron after coding-DNA position 802, T replaced by C.
Molecular consequence: intron variant.
Genome position (GRCh38, 1-based): chr13:47,968,508, A>G on the plus strand (T>C on the coding strand, the complement: SUCLA2 is on the minus strand). VCF-style: chr13-47968508-A-G. GRCh37 (hg19) VCF-style: chr13-48542643-A-G.
Identifiers: ClinVar variation 671695 (VCV000671695.1), dbSNP rs77320130, ClinGen allele CA249266976.
Genomic context (GRCh38, chr13:47,968,508, plus strand): 5'-TTCATATTCATTCTATCTGATTTTTTTTTAAAAAGCTTCTACATAGGTAGAAGTTTAACT[A>G]CTTTAACTTCTATGATTTAACTTCCTTAGGGAAGCATATTAGAGAAATAAATGCATAATC-3'